The following is an entry in ClinVar:

ClinVar aggregate classification (germline): Likely benign. Review status: criteria provided, multiple submitters, no conflicts (2 of 4 stars). 4 submissions from 4 submitters: Likely benign (4). Last evaluated 2024-06-01.

Conditions:
Pierson syndrome. Also called: MICROCORIA-CONGENITAL NEPHROTIC SYNDROME. Identifiers: Orphanet 2670, MedGen C1836876, MONDO:0012184, OMIM 609049.
LAMB2-related infantile-onset nephrotic syndrome. Also called: Nephrotic Syndrome, type 5; NEPHROTIC SYNDROME, TYPE 5, WITHOUT OCULAR ABNORMALITIES; NEPHROTIC SYNDROME, TYPE 5, WITH OCULAR ABNORMALITIES. Identifiers: Orphanet 306507, MedGen C3280113, MONDO:0013621, OMIM 614199.

Allele frequency attached by ClinVar (database versions not stated): gnomAD exomes 0.00002; gnomAD 0.00003; TOPMed 0.00003; ExAC 0.00004; ESP Exome Variant Server 0.00008.
gnomAD v4.1: 34 of 1,608,732 alleles (0.0021%); highest among the groups gnomAD compares: Admixed American, 0.0067%; no homozygotes.

Submissions (4):

CeGaT Center for Human Genetics Tuebingen
Classification: Likely benign. Last evaluated: 2024-06-01. Review status: criteria provided, single submitter. Criteria: CeGaT Center For Human Genetics Tuebingen Variant Classification Criteria Version 2. Collection method: clinical testing. Allele origin: germline. Affected: yes. Observed: 1 variant allele.
Comment: LAMB2: BP4, BP7

Labcorp Genetics (formerly Invitae), Labcorp
Classification: Likely benign for LAMB2-related infantile-onset nephrotic syndrome; Pierson syndrome. Last evaluated: 2023-08-17. Review status: criteria provided, single submitter. Criteria: Invitae Variant Classification Sherloc (09022015). Collection method: clinical testing. Allele origin: germline.

Blueprint Genetics
Classification: Likely benign. Last evaluated: 2022-09-30. Review status: criteria provided, single submitter. Criteria: ACMG Guidelines, 2015. Collection method: clinical testing. Allele origin: germline.

Fulgent Genetics
Classification: Likely benign for Pierson syndrome; LAMB2-related infantile-onset nephrotic syndrome. Last evaluated: 2022-03-21. Review status: criteria provided, single submitter. Criteria: ACMG Guidelines, 2015. Collection method: clinical testing. Allele origin: unknown.

NM_002292.4(LAMB2):c.4305G>A (p.Pro1435=)

Gene: LAMB2 (laminin subunit beta 2; minus strand). Cytogenetic location: 3p21.31.
Variant type: single nucleotide variant.
Coding change: c.4305G>A on transcript NM_002292.4 (MANE Select); coding-DNA position 4305, G replaced by A.
Protein change: p.Pro1435=; no amino-acid change (proline 1435 retained).
Molecular consequence: synonymous variant.
Genome position (GRCh38, 1-based): chr3:49,122,972, C>T on the plus strand (G>A on the coding strand, the complement: LAMB2 is on the minus strand). VCF-style: chr3-49122972-C-T. GRCh37 (hg19) VCF-style: chr3-49160405-C-T.
Identifiers: ClinVar variation 1537007 (VCV001537007.28), dbSNP rs371257983, ClinGen allele CA2393815.